The following is an entry in ClinVar:

ClinVar aggregate classification (germline): Uncertain significance (1 of 4 stars; one submission).

Allele frequency attached by ClinVar (database versions not stated): gnomAD exomes below 0.00001.
gnomAD v4.1: 2 of 1,529,564 alleles (0.00013%); highest among the groups gnomAD compares: Non-Finnish European, 0.000087%; no homozygotes.

Submission:

Labcorp Genetics (formerly Invitae), Labcorp
Classification: Uncertain significance. Last evaluated: 2022-06-13. Review status: criteria provided, single submitter. Criteria: Invitae Variant Classification Sherloc (09022015). Collection method: clinical testing. Allele origin: germline.
Comment: Algorithms developed to predict the effect of missense changes on protein structure and function are either unavailable or do not agree on the potential impact of this missense change (SIFT: "Tolerated"; PolyPhen-2: "Probably Damaging"; Align-GVGD: "Class C0"). In summary, the available evidence is currently insufficient to determine the role of this variant in disease. Therefore, it has been classified as a Variant of Uncertain Significance. This variant has not been reported in the literature in individuals affected with SPEG-related conditions. This variant is not present in population databases (gnomAD no frequency). This sequence change replaces threonine, which is neutral and polar, with alanine, which is neutral and non-polar, at codon 2495 of the SPEG protein (p.Thr2495Ala).

NM_005876.5(SPEG):c.7483A>G (p.Thr2495Ala)

Genes: ASIC4-AS1 (ASIC4 antisense RNA 1; minus strand), SPEG (striated muscle enriched protein kinase; plus strand). Cytogenetic location: 2q35.
Variant type: single nucleotide variant.
Coding change: c.7483A>G on transcript NM_005876.5 (MANE Select); coding-DNA position 7483, A replaced by G.
Protein change: p.Thr2495Ala; replaces threonine 2495 with alanine.
Molecular consequence: missense variant.
Genome position (GRCh38, 1-based): chr2:219,484,946, A>G. VCF-style: chr2-219484946-A-G. GRCh37 (hg19) VCF-style: chr2-220349668-A-G.
Other names: short protein forms T2495A.
Identifiers: ClinVar variation 2005480 (VCV002005480.4), dbSNP rs2545949426, ClinGen allele CA350702716.
Genomic context (GRCh38, chr2:219,484,946, plus strand): 5'-GAGGACTCGGGGGGCGCGTCGGGCCGCAGCACGCCGCTGTTCGGACGGCTTCGCAGGGCC[A>G]CGTCCGAGGGCGAGAGTCTGCGGCGCCTTGGCCTTCCGCACAACCAGTTGGCCGCCCAGG-3'
Protein context (NP_005867.3, residues 2485-2505): TPLFGRLRRA[Thr2495Ala]SEGESLRRLG